The following is an entry in ClinVar:

ClinVar aggregate classification (germline): Uncertain significance (1 of 4 stars; one submission).

Conditions:
Complex neurodevelopmental disorder. Identifiers: Orphanet 528084, MedGen C5568766, MONDO:0100038.

gnomAD v4.1: 3 of 1,614,102 alleles (0.00019%); highest among the groups gnomAD compares: Non-Finnish European, 0.00025%; no homozygotes.

Submission:

Broad Center for Mendelian Genomics, Broad Institute of MIT and Harvard
Classification: Uncertain significance for Complex neurodevelopmental disorder. Last evaluated: 2026-08-12. Review status: criteria provided, single submitter. Criteria: ACMG Guidelines, 2015. Collection method: research. Allele origin: germline. Inheritance: Autosomal dominant inheritance. Study: GREGoR Consortium.
Comment: The p.Glu289Asp variant has not been previously reported in the literature in individuals with complex neurodevelopmental disorder, and has been identified in 0.0003% (3/1179960) of European (non-Finnish) chromosomes by the Genome Aggregation Database (gnomAD; dbSNP rs1891295400). Although this variant has been seen in the general population in a heterozygous state, its frequency is not high enough to rule out a pathogenic role. Computational prediction tools, including splice predictors, and conservation analyses suggest that this variant may not impact the protein, though this information is not predictive enough to rule out pathogenicity. The number of missense variants reported in YY1 in the general population is lower than expected, suggesting there is little benign variation in this gene and slightly increasing the possibility that a missense variant in this gene may not be tolerated. In summary, the clinical significance of the p.Glu289Asp variant is uncertain. ACMG/AMP criteria applied: BP4, PP2 (Richards 2015).

NM_003403.5(YY1):c.867A>T (p.Glu289Asp)

Gene: YY1 (YY1 transcription factor; plus strand). Cytogenetic location: 14q32.2.
Variant type: single nucleotide variant.
Coding change: c.867A>T on transcript NM_003403.5 (MANE Select); coding-DNA position 867, A replaced by T.
Protein change: p.Glu289Asp; replaces glutamic acid 289 with aspartic acid.
Molecular consequence: missense variant.
Genome position (GRCh38, 1-based): chr14:100,274,722, A>T. VCF-style: chr14-100274722-A-T. GRCh37 (hg19) VCF-style: chr14-100741059-A-T.
Other names: NM_003403.5:c.867A>T; short protein forms E289D.
Identifiers: ClinVar variation 4974510 (VCV004974510.1).